The following is an entry in ClinVar:

NM_000535.7(PMS2):c.940A>C (p.Asn314His)

Gene: PMS2 (PMS1 homolog 2, mismatch repair system component; minus strand). Cytogenetic location: 7p22.1.
Variant type: single nucleotide variant.
Coding change: c.940A>C on transcript NM_000535.7 (MANE Select); coding-DNA position 940, A replaced by C.
Protein change: p.Asn314His; replaces asparagine 314 with histidine.
Molecular consequence: missense variant. On other transcripts: non-coding transcript variant (1), intron variant (1).
Genome position (GRCh38, 1-based): chr7:5,992,021, T>G on the plus strand (A>C on the coding strand, the complement: PMS2 is on the minus strand). VCF-style: chr7-5992021-T-G. GRCh37 (hg19) VCF-style: chr7-6031652-T-G.
Other names: c.772A>C, p.Asn258His (NM_001406874.1, NM_001406884.1); c.631A>C, p.Asn211His (NM_001406875.1, NM_001406877.1, NM_001406878.1 and 6 more transcripts); c.622A>C, p.Asn208His (NM_001406876.1, NM_001406883.1, NM_001406902.1 and 4 more transcripts); c.803+5305A>C (NM_001406912.1); c.427A>C, p.Asn143His (NM_001406904.1, NM_001406905.1); c.535A>C, p.Asn179His (NM_001406906.1, NM_001406907.1, NM_001406908.1 and 19 more transcripts); c.367A>C, p.Asn123His (NM_001406909.1, NM_001322013.2); c.169A>C, p.Asn57His (NM_001406911.1); and 8 more; short protein forms N123H, N179H, N192H, N248H, N376H, N202H, N211H, N278H.
Identifiers: ClinVar variation 3630529 (VCV003630529.2).
Genomic context (GRCh38, chr7:5,992,021, plus strand): 5'-AATGGAACTTACCTGAATCAACAGAAATGTTAAGAACAACAAATGGATACTGGTGTCGAT[T>G]ATACATGTGGTAGACCTCATTCACGAGTCTGCAGACCTGCACAAAATACAAGGAGTAGAA-3'
Protein context (NP_000526.2, residues 304-324): RLVNEVYHMY[Asn314His]RHQYPFVVLN

ClinVar aggregate classification (germline): Uncertain significance (1 of 4 stars; one submission).

Conditions:
Hereditary nonpolyposis colorectal neoplasms. Identifiers: MedGen C0009405, MeSH D003123.

Submission:

Labcorp Genetics (formerly Invitae), Labcorp
Classification: Uncertain significance for Hereditary nonpolyposis colorectal neoplasms. Last evaluated: 2024-08-05. Review status: criteria provided, single submitter. Criteria: Invitae Variant Classification Sherloc (09022015). Collection method: clinical testing. Allele origin: germline.
Comment: This sequence change replaces asparagine, which is neutral and polar, with histidine, which is basic and polar, at codon 314 of the PMS2 protein (p.Asn314His). This variant is not present in population databases (gnomAD no frequency). This variant has not been reported in the literature in individuals affected with PMS2-related conditions. Advanced modeling of protein sequence and biophysical properties (such as structural, functional, and spatial information, amino acid conservation, physicochemical variation, residue mobility, and thermodynamic stability) performed at Invitae indicates that this missense variant is expected to disrupt PMS2 protein function with a positive predictive value of 80%. In summary, the available evidence is currently insufficient to determine the role of this variant in disease. Therefore, it has been classified as a Variant of Uncertain Significance.